The following is an entry in ClinVar:

ClinVar aggregate classification (germline): Uncertain significance (1 of 4 stars; one submission).

Conditions:
Developmental and epileptic encephalopathy, 13 (DEE13). Also called: Developmental and Epileptic Encephalopathy (SCN8A-DEE); Early infantile epileptic encephalopathy 13; SCN8A-Related Epilepsy. Identifiers: Orphanet 442835, MedGen C3281191, MONDO:0013801, OMIM 614558.

gnomAD v4.1: 1 of 1,607,436 alleles (0.000062%); highest among the groups gnomAD compares: Non-Finnish European, 0.000085%; no homozygotes.

Submission:

Neuberg Centre For Genomic Medicine, NCGM
Classification: Uncertain significance for Developmental and epileptic encephalopathy, 13. Review status: criteria provided, single submitter. Criteria: ACMG Guidelines, 2015. Collection method: clinical testing. Allele origin: germline. Inheritance: Autosomal dominant inheritance. Affected: yes.
Comment: The observed missense variant c.1904G>Ap.Arg635His in the SCN8A gene has not been reported previously as a pathogenic variant nor as a benign variant, to our knowledge. This variant is absent in the gnomAD Exomes. The amino acid Arg at position 635 is changed to a His changing protein sequence and it might alter its composition and physico-chemical properties. Multiple lines of computational evidence Polyphen - Damaging and MutationTaster - Disease causing predict a damaging effect on protein structure and function for this variant. The residue is conserved by GERP++ and PhyloP across 100 vertebrates. For these reasons, this variant has been classified as Uncertain Significance.

NM_001330260.2(SCN8A):c.1904G>A (p.Arg635His)

Gene: SCN8A (sodium voltage-gated channel alpha subunit 8; plus strand). Cytogenetic location: 12q13.13.
Variant type: single nucleotide variant.
Coding change: c.1904G>A on transcript NM_001330260.2 (MANE Select); coding-DNA position 1904, G replaced by A.
Protein change: p.Arg635His; replaces arginine 635 with histidine.
Molecular consequence: missense variant.
Genome position (GRCh38, 1-based): chr12:51,721,814, G>A. VCF-style: chr12-51721814-G-A. GRCh37 (hg19) VCF-style: chr12-52115598-G-A.
Other names: c.1904G>A, p.Arg635His (NM_001177984.3, NM_001369788.1, NM_014191.4); short protein forms R635H.
Identifiers: ClinVar variation 3391191 (VCV003391191.1).